The following is an entry in ClinVar:

ClinVar aggregate classification (germline): Likely pathogenic. Review status: criteria provided, multiple submitters, no conflicts (2 of 4 stars). 4 submissions from 4 submitters: Likely pathogenic (4). Last evaluated 2025-08-09.

Conditions:
Usher syndrome type 1F (USH1F). Also called: USHER SYNDROME, TYPE IF. Identifiers: Orphanet 231169, Orphanet 886, MedGen C1865885, MONDO:0011186, OMIM 602083.
Autosomal recessive nonsyndromic hearing loss 23. Identifiers: Orphanet 90636, MedGen C1836027, MONDO:0012293, OMIM 609533.
PCDH15-related disorder. Also called: PCDH15-related condition; PCDH15-related disorders.

gnomAD v4.1: 1 of 1,605,876 alleles (0.000062%); highest among the groups gnomAD compares: Non-Finnish European, 0.000085%; no homozygotes.

Submissions (4):

Natera, Inc.
Classification: Likely pathogenic for Usher syndrome type 1F. Last evaluated: 2025-08-09. Review status: criteria provided, single submitter. Criteria: Natera Variant Classification Schema (03/2026). Collection method: clinical testing. Allele origin: germline.
Comment: The c.3122+1G>A variant in PCDH15 is a canonical splice donor site variant predicted to affect pre-mRNA splicing, which may result in an abnormal transcript and altered protein product. This variant is expected to result in nonsense mediated decay, truncation, or a dysfunctional protein product. This variant is rare in the general population with a frequency below the threshold expected for the associated phenotype(s). Given the available evidence, this variant is classified as Likely Pathogenic.

Labcorp Genetics (formerly Invitae), Labcorp
Classification: Likely pathogenic. Last evaluated: 2024-12-14. Review status: criteria provided, single submitter. Criteria: Invitae Variant Classification Sherloc (09022015). Collection method: clinical testing. Allele origin: germline.
Comment: This sequence change affects a donor splice site in intron 23 of the PCDH15 gene. It is expected to disrupt RNA splicing. Variants that disrupt the donor or acceptor splice site typically lead to a loss of protein function (PMID: 16199547), and loss-of-function variants in PCDH15 are known to be pathogenic (PMID: 11398101, 11487575, 14570705). This variant is not present in population databases (gnomAD no frequency). Disruption of this splice site has been observed in individual(s) with clinical features of Usher syndrome (internal data). ClinVar contains an entry for this variant (Variation ID: 943995). Algorithms developed to predict the effect of sequence changes on RNA splicing suggest that this variant may disrupt the consensus splice site. In summary, the currently available evidence indicates that the variant is pathogenic, but additional data are needed to prove that conclusively. Therefore, this variant has been classified as Likely Pathogenic.

Baylor Genetics
Classification: Likely pathogenic for Autosomal recessive nonsyndromic hearing loss 23. Last evaluated: 2022-01-27. Review status: criteria provided, single submitter. Criteria: ACMG Guidelines, 2015. Collection method: clinical testing. Allele origin: unknown.

Blueprint Genetics
Classification: Likely pathogenic for PCDH15-related disorders. Last evaluated: 2019-07-12. Review status: criteria provided, single submitter. Criteria: ACMG Guidelines, 2015. Collection method: clinical testing. Allele origin: germline. Affected: yes. Observed: 1 variant allele.

Literature cited by the submitters: PubMed 16199547 (cited by Labcorp Genetics (formerly Invitae), Labcorp); PubMed 11398101 (cited by Labcorp Genetics (formerly Invitae), Labcorp); PubMed 11487575 (cited by Labcorp Genetics (formerly Invitae), Labcorp); PubMed 14570705 (cited by Labcorp Genetics (formerly Invitae), Labcorp).

NM_001384140.1(PCDH15):c.3122+1G>A

Gene: PCDH15 (protocadherin related 15; minus strand). Cytogenetic location: 10q21.1.
Variant type: single nucleotide variant.
Coding change: c.3122+1G>A on transcript NM_001384140.1 (MANE Select); the canonical splice donor site of the intron after coding-DNA position 3122, G replaced by A.
Molecular consequence: splice donor variant.
Genome position (GRCh38, 1-based): chr10:53,959,731, C>T on the plus strand (G>A on the coding strand, the complement: PCDH15 is on the minus strand). VCF-style: chr10-53959731-C-T. GRCh37 (hg19) VCF-style: chr10-55719491-C-T.
Other names: c.3122+1G>A (NM_033056.4, NM_001142764.2, NM_001142770.3 and 4 more transcripts); c.3137+1G>A (NM_001142763.2, NM_001142771.2); c.3143+1G>A (NM_001354411.2); c.3158+1G>A (NM_001142769.3); c.3056+1G>A (NM_001354404.2, NM_001142773.2, NM_001142768.2); c.3011+1G>A (NM_001142767.2); c.2909+1G>A (NM_001142765.2).
Identifiers: ClinVar variation 943995 (VCV000943995.14), dbSNP rs982893820, ClinGen allele CA207208238.
Genomic context (GRCh38, chr10:53,959,731, plus strand): 5'-GACTCCTTTCAAAAATGCCCTAAACATTTCGTGTATTTCAAAATCGGACAGAAATCAATA[C>T]CTATATTCCTCCTGTGTGAAGCGTGGGATCTCACCAGGATGTAAGACAAGAATCTTCACT-3'